The following is an entry in ClinVar:

ClinVar aggregate classification (germline): Uncertain significance. Review status: criteria provided, single submitter (1 of 4 stars). 2 submissions from 2 submitters: Uncertain significance (1). 1 of the submissions does not count toward it. Last evaluated 2025-06-09.

Conditions:
PIEZO1-related disorder. Also called: PIEZO1-related condition; PIEZO1-Related Disorders.

Submissions (2):

Revvity Omics, Revvity
Classification: Uncertain significance. Last evaluated: 2025-06-09. Review status: criteria provided, single submitter. Criteria: ACMG Guidelines, 2015. Collection method: clinical testing. Allele origin: germline.

PreventionGenetics, part of Exact Sciences
Classification: Uncertain significance for PIEZO1-related condition. Last evaluated: 2024-01-29. Review status: no assertion criteria provided. Collection method: clinical testing. Allele origin: germline. Not counted in ClinVar's aggregate classification.
Comment: The PIEZO1 c.2648C>A variant is predicted to result in the amino acid substitution p.Ser883Tyr. To our knowledge, this variant has not been reported in the literature or in a large population database, indicating this variant is rare. At this time, the clinical significance of this variant is uncertain due to the absence of conclusive functional and genetic evidence.

NM_001142864.4(PIEZO1):c.2648C>A (p.Ser883Tyr)

Genes: PIEZO1 (piezo type mechanosensitive ion channel component 1 (Er blood group); minus strand), HSALR1 (HSP90AB1 associated lncRNA 1; plus strand). Cytogenetic location: 16q24.3.
Variant type: single nucleotide variant.
Coding change: c.2648C>A on transcript NM_001142864.4 (MANE Select); coding-DNA position 2648, C replaced by A.
Protein change: p.Ser883Tyr; replaces serine 883 with tyrosine.
Molecular consequence: missense variant.
Genome position (GRCh38, 1-based): chr16:88,733,294, G>T on the plus strand (C>A on the coding strand, the complement: PIEZO1 is on the minus strand). VCF-style: chr16-88733294-G-T. GRCh37 (hg19) VCF-style: chr16-88799702-G-T.
Other names: c.1190C>A, p.Ser397Tyr (NM_014745.1); short protein forms S397Y, S883Y.
Identifiers: ClinVar variation 3061110 (VCV003061110.3), dbSNP rs1457051208, ClinGen allele CA397111494.